The following is an entry in ClinVar:

ClinVar aggregate classification (germline): Uncertain significance (1 of 4 stars; one submission).

Conditions:
Inborn genetic diseases. Identifiers: MedGen C0950123, MeSH D030342.

Submission:

Ambry Genetics
Classification: Uncertain significance for Inborn genetic diseases. Last evaluated: 2026-09-08. Review status: criteria provided, single submitter. Criteria: Ambry Variant Classification Scheme 2023. Collection method: clinical testing. Allele origin: germline.
Comment: The p.K867R variant (also known as c.2600A>G), located in coding exon 27 of the FANCA gene, results from an A to G substitution at nucleotide position 2600. The lysine at codon 867 is replaced by arginine, an amino acid with highly similar properties. This amino acid position is conserved. In addition, the in silico prediction for this alteration is inconclusive. Based on the available evidence, the clinical significance of this variant remains unclear.

NM_000135.4(FANCA):c.2600A>G (p.Lys867Arg)

Gene: FANCA (FA complementation group A; minus strand). Cytogenetic location: 16q24.3.
Variant type: single nucleotide variant.
Coding change: c.2600A>G on transcript NM_000135.4 (MANE Select); coding-DNA position 2600, A replaced by G.
Protein change: p.Lys867Arg; replaces lysine 867 with arginine.
Molecular consequence: missense variant.
Genome position (GRCh38, 1-based): chr16:89,767,142, T>C on the plus strand (A>G on the coding strand, the complement: FANCA is on the minus strand). VCF-style: chr16-89767142-T-C. GRCh37 (hg19) VCF-style: chr16-89833550-T-C.
Other names: c.2600A>G, p.Lys867Arg (NM_001286167.3); short protein forms K867R.
Identifiers: ClinVar variation 5036450 (VCV005036450.1).